The following is an entry in ClinVar:

ClinVar aggregate classification (germline): Uncertain significance (1 of 4 stars; one submission).

Conditions:
Aortic aneurysm, familial thoracic 7 (AAT7). Also called: AORTIC DISSECTION, FAMILIAL, WITH OR WITHOUT AORTIC ANEURYSM. Identifiers: MedGen C3151077, MONDO:0013418, OMIM 613780.

Allele frequency attached by ClinVar (database versions not stated): TOPMed 0.00001; gnomAD exomes 0.00002; gnomAD 0.00003.
gnomAD v4.1: 15 of 1,614,018 alleles (0.00093%); highest among the groups gnomAD compares: Non-Finnish European, 0.00034%; no homozygotes.

Submission:

Labcorp Genetics (formerly Invitae), Labcorp
Classification: Uncertain significance for Aortic aneurysm, familial thoracic 7. Last evaluated: 2025-11-25. Review status: criteria provided, single submitter. Criteria: Invitae Variant Classification Sherloc (09022015). Collection method: clinical testing. Allele origin: germline.
Comment: This sequence change replaces valine, which is neutral and non-polar, with isoleucine, which is neutral and non-polar, at codon 1391 of the MYLK protein (p.Val1391Ile). This variant is present in population databases (no rsID available, gnomAD 0.008%). This variant has not been reported in the literature in individuals affected with MYLK-related conditions. ClinVar contains an entry for this variant (Variation ID: 2912645). Invitae Evidence Modeling of protein sequence and biophysical properties (such as structural, functional, and spatial information, amino acid conservation, physicochemical variation, residue mobility, and thermodynamic stability) indicates that this missense variant is not expected to disrupt MYLK protein function with a negative predictive value of 80%. In summary, the available evidence is currently insufficient to determine the role of this variant in disease. Therefore, it has been classified as a Variant of Uncertain Significance.

NM_053025.4(MYLK):c.4171G>A (p.Val1391Ile)

Gene: MYLK (myosin light chain kinase; minus strand). Cytogenetic location: 3q21.1.
Variant type: single nucleotide variant.
Coding change: c.4171G>A on transcript NM_053025.4 (MANE Select); coding-DNA position 4171, G replaced by A.
Protein change: p.Val1391Ile; replaces valine 1391 with isoleucine.
Molecular consequence: missense variant.
Genome position (GRCh38, 1-based): chr3:123,657,243, C>T on the plus strand (G>A on the coding strand, the complement: MYLK is on the minus strand). VCF-style: chr3-123657243-C-T. GRCh37 (hg19) VCF-style: chr3-123376090-C-T.
Other names: c.3643G>A, p.Val1215Ile (NM_001321309.2); c.3964G>A, p.Val1322Ile (NM_053026.4, NM_053028.4); c.4171G>A, p.Val1391Ile (NM_053027.4); short protein forms V1215I, V1391I, V1322I.
Identifiers: ClinVar variation 2912645 (VCV002912645.3), dbSNP rs959403270, ClinGen allele CA82924634.